The following is an entry in ClinVar:

ClinVar aggregate classification (germline): Uncertain significance (1 of 4 stars; one submission).

Submission:

Labcorp Genetics (formerly Invitae), Labcorp
Classification: Uncertain significance. Last evaluated: 2025-06-03. Review status: criteria provided, single submitter. Criteria: Invitae Variant Classification Sherloc (09022015). Collection method: clinical testing. Allele origin: germline.
Comment: This sequence change replaces isoleucine, which is neutral and non-polar, with valine, which is neutral and non-polar, at codon 99 of the PTPN23 protein (p.Ile99Val). This variant is not present in population databases (gnomAD no frequency). This variant has not been reported in the literature in individuals affected with PTPN23-related conditions. ClinVar contains an entry for this variant (Variation ID: 1439167). Experimental studies and prediction algorithms are not available or were not evaluated, and the functional significance of this variant is currently unknown. In summary, the available evidence is currently insufficient to determine the role of this variant in disease. Therefore, it has been classified as a Variant of Uncertain Significance.

NM_015466.4(PTPN23):c.295A>G (p.Ile99Val)

Gene: PTPN23 (protein tyrosine phosphatase non-receptor type 23; plus strand). Cytogenetic location: 3p21.31.
Variant type: single nucleotide variant.
Coding change: c.295A>G on transcript NM_015466.4 (MANE Select); coding-DNA position 295, A replaced by G.
Protein change: p.Ile99Val; replaces isoleucine 99 with valine.
Molecular consequence: missense variant. On other transcripts: 5 prime UTR variant (1).
Genome position (GRCh38, 1-based): chr3:47,405,012, A>G. VCF-style: chr3-47405012-A-G. GRCh37 (hg19) VCF-style: chr3-47446502-A-G.
Other names: c.-84A>G (NM_001304482.2); short protein forms I99V.
Identifiers: ClinVar variation 1439167 (VCV001439167.6), dbSNP rs2107713488, ClinGen allele CA352541090.